The following is an entry in ClinVar:

ClinVar aggregate classification (germline): Benign/Likely benign. Review status: criteria provided, multiple submitters, no conflicts (2 of 4 stars). 5 submissions from 5 submitters: Benign (3); Likely benign (1). 1 of the submissions does not count toward it. Last evaluated 2026-02-03.

Conditions:
Meier-Gorlin syndrome 1 (MGORS1). Also called: EAR, PATELLA, SHORT STATURE SYNDROME. Identifiers: Orphanet 2554, MedGen C4552001, MONDO:0009143, OMIM 224690.

Allele frequency attached by ClinVar (database versions not stated): 1000 Genomes Project 30x 0.00921; 1000 Genomes Project 0.00938; TOPMed 0.01506; gnomAD 0.01654 and 0.01742; ESP Exome Variant Server 0.01761; gnomAD exomes 0.01904 and 0.02230; ExAC 0.02051.
gnomAD v4.1: 34,864 of 1,614,170 alleles (2.2%); highest among the groups gnomAD compares: Non-Finnish European, 2.5%; 489 homozygotes.

Submissions (5):

Labcorp Genetics (formerly Invitae), Labcorp
Classification: Benign. Last evaluated: 2026-02-03. Review status: criteria provided, single submitter. Criteria: Invitae Variant Classification Sherloc (09022015). Collection method: clinical testing. Allele origin: germline.

Blueprint Genetics
Classification: Likely benign. Last evaluated: 2024-11-26. Review status: criteria provided, single submitter. Criteria: ACMG Guidelines, 2015. Collection method: clinical testing. Allele origin: germline.

Illumina Laboratory Services, Illumina
Classification: Benign for Meier-Gorlin syndrome 1. Last evaluated: 2018-01-12. Review status: criteria provided, single submitter. Criteria: ICSL Variant Classification Criteria 13 December 2019. Collection method: clinical testing. Allele origin: germline.
Comment: This variant was observed in the ICSL laboratory as part of a predisposition screen in an ostensibly healthy population. It had not been previously curated by ICSL or reported in the Human Gene Mutation Database (HGMD: prior to June 1st, 2018), and was therefore a candidate for classification through an automated scoring system. Utilizing variant allele frequency, disease prevalence and penetrance estimates, and inheritance mode, an automated score was calculated to assess if this variant is too frequent to cause the disease. Based on the score and internal cut-off values, a variant classified as benign is not then subjected to further curation. The score for this variant resulted in a classification of benign for this disease.

Breakthrough Genomics
Classification: Benign. Review status: criteria provided, single submitter. Criteria: ACMG Guidelines, 2015. Collection method: not provided. Allele origin: germline. Inheritance: Autosomal recessive inheritance. Affected: yes.

Genetic Services Laboratory, University of Chicago
Classification: Likely benign for AllHighlyPenetrant. Review status: no assertion criteria provided. Collection method: clinical testing. Allele origin: germline. Inheritance: Autosomal recessive inheritance. Not counted in ClinVar's aggregate classification.
Comment: Likely benign based on allele frequency in 1000 Genomes Project or ESP global frequency and its presence in a patient with a rare or unrelated disease phenotype. NOT Sanger confirmed.

NM_004153.4(ORC1):c.2447T>C (p.Met816Thr)

Gene: ORC1 (origin recognition complex subunit 1; minus strand). Cytogenetic location: 1p32.3.
Variant type: single nucleotide variant.
Coding change: c.2447T>C on transcript NM_004153.4 (MANE Select); coding-DNA position 2447, T replaced by C.
Protein change: p.Met816Thr; replaces methionine 816 with threonine.
Molecular consequence: missense variant.
Genome position (GRCh38, 1-based): chr1:52,373,320, A>G on the plus strand (T>C on the coding strand, the complement: ORC1 is on the minus strand). VCF-style: chr1-52373320-A-G. GRCh37 (hg19) VCF-style: chr1-52838992-A-G.
Other names: c.2447T>C, p.Met816Thr (NM_001190818.2); c.2432T>C, p.Met811Thr (NM_001190819.2); short protein forms M816T, M811T.
Identifiers: ClinVar variation 129860 (VCV000129860.19), dbSNP rs34521609, ClinGen allele CA154200.
Genomic context (GRCh38, chr1:52,373,320, plus strand): 5'-GGCTCCACAAGCAGGAGGCGACAGGAGCCCAGGTGAGAACACACGGCCATGGTCTCTGAC[A>G]TGGTGGGGTACGGCAGTCCCTCCATTCTGCACAGTGCCACATGTTGACTATATATCTAGA-3'
Protein context (NP_004144.2, residues 806-826): CRMEGLPYPT[Met816Thr]SETMAVCSHL